The following is an entry in ClinVar:

NM_001903.5(CTNNA1):c.1564G>T (p.Asp522Tyr)

Gene: CTNNA1 (catenin alpha 1; plus strand). Cytogenetic location: 5q31.2.
Variant type: single nucleotide variant.
Coding change: c.1564G>T on transcript NM_001903.5 (MANE Select); coding-DNA position 1564, G replaced by T.
Protein change: p.Asp522Tyr; replaces aspartic acid 522 with tyrosine.
Molecular consequence: missense variant.
Genome position (GRCh38, 1-based): chr5:138,924,527, G>T. VCF-style: chr5-138924527-G-T. GRCh37 (hg19) VCF-style: chr5-138260216-G-T.
Other names: c.1564G>T, p.Asp522Tyr (NM_001290307.3, NM_001323982.2, NM_001323983.1 and 2 more transcripts); c.1255G>T, p.Asp419Tyr (NM_001290309.3); c.1195G>T, p.Asp399Tyr (NM_001290310.3); c.454G>T, p.Asp152Tyr (NM_001290312.1, NM_001323987.1, NM_001323988.1 and 17 more transcripts); c.1471G>T, p.Asp491Tyr (NM_001323986.2); c.115G>T, p.Asp39Tyr (NM_001324006.1, NM_001324007.1, NM_001324008.1 and 2 more transcripts); c.361G>T, p.Asp121Tyr (NM_001324011.1); c.211G>T, p.Asp71Tyr (NM_001324012.1, NM_001324013.1); short protein forms D39Y, D71Y, D121Y, D419Y, D152Y, D491Y, D399Y, D522Y.
Identifiers: ClinVar variation 1517485 (VCV001517485.8), dbSNP rs2150287866, ClinGen allele CA361131713.
Genomic context (GRCh38, chr5:138,924,527, plus strand): 5'-TAGAAAGCCTCCTTCCTCATTCAACTTTTTGCTTGTTCTCCAGAGAATCACATTTTGGAA[G>T]ATGTGAACAAATGTGTCATTGCTCTCCAAGAGAAGGATGTGGATGGCCTGGACCGCACAG-3'
Protein context (NP_001894.2, residues 512-532): LAVSENHILE[Asp522Tyr]VNKCVIALQE

ClinVar aggregate classification (germline): Uncertain significance (1 of 4 stars; one submission).

Submission:

Labcorp Genetics (formerly Invitae), Labcorp
Classification: Uncertain significance. Last evaluated: 2021-03-18. Review status: criteria provided, single submitter. Criteria: Invitae Variant Classification Sherloc (09022015). Collection method: clinical testing. Allele origin: germline.
Comment: In summary, the available evidence is currently insufficient to determine the role of this variant in disease. Therefore, it has been classified as a Variant of Uncertain Significance. Algorithms developed to predict the effect of missense changes on protein structure and function are either unavailable or do not agree on the potential impact of this missense change (SIFT: "Deleterious"; PolyPhen-2: "Probably Damaging"; Align-GVGD: "Class C15"). This variant has not been reported in the literature in individuals with CTNNA1-related conditions. This variant is not present in population databases (ExAC no frequency). This sequence change replaces aspartic acid with tyrosine at codon 522 of the CTNNA1 protein (p.Asp522Tyr). The aspartic acid residue is highly conserved and there is a large physicochemical difference between aspartic acid and tyrosine.